The following is an entry in ClinVar:

ClinVar aggregate classification (germline): Uncertain significance (1 of 4 stars; one submission).

Conditions:
Cardiomyopathy (CMYO). Also called: Cardiomyopathies. Identifiers: Orphanet 167848, MedGen C0878544, MONDO:0004994, HP:0001638. Inheritance: Various modes of inheritance.

Submission:

Color Diagnostics, LLC DBA Color Health
Classification: Uncertain significance for Cardiomyopathy. Last evaluated: 2023-12-05. Review status: criteria provided, single submitter. Criteria: ACMG Guidelines, 2015. Collection method: clinical testing. Allele origin: germline.
Comment: This missense variant replaces glutamic acid with glycine at codon 62 of the TPM1 protein. Computational prediction tools and conservation analyses suggest that this variant may have deleterious impact on the protein function. Computational splicing tools suggest that this variant may not impact RNA splicing. To our knowledge, functional assays have not been performed for this variant nor has this variant been reported in individuals affected with cardiovascular disorders in the literature. This variant has not been identified in the general population by the Genome Aggregation Database (gnomAD). Available evidence is insufficient to determine the role of this variant in disease conclusively. Therefore, this variant is classified as a Variant of Uncertain Significance.

NM_001018005.2(TPM1):c.185A>G (p.Glu62Gly)

Gene: TPM1 (tropomyosin 1; plus strand). Cytogenetic location: 15q22.2.
Variant type: single nucleotide variant.
Coding change: c.185A>G on transcript NM_001018005.2 (MANE Select); coding-DNA position 185, A replaced by G.
Protein change: p.Glu62Gly; replaces glutamic acid 62 with glycine.
Molecular consequence: missense variant. On other transcripts: intron variant (3).
Genome position (GRCh38, 1-based): chr15:63,044,097, A>G. VCF-style: chr15-63044097-A-G. GRCh37 (hg19) VCF-style: chr15-63336296-A-G.
Other names: c.185A>G, p.Glu62Gly (NM_000366.6, NM_001018004.2, NM_001018006.2 and 3 more transcripts); c.311A>G, p.Glu104Gly (NM_001365778.1); c.240+266A>G (NM_001018020.2, NM_001018007.2, NM_001301244.2); short protein forms E62G, E104G.
Identifiers: ClinVar variation 925826 (VCV000925826.5), dbSNP rs2031864718, ClinGen allele CA392718631.